The following is an entry in ClinVar:

NM_003114.5(SPAG1):c.1621T>G (p.Tyr541Asp)

Gene: SPAG1 (sperm associated antigen 1; plus strand). Cytogenetic location: 8q22.2.
Variant type: single nucleotide variant.
Coding change: c.1621T>G on transcript NM_003114.5 (MANE Select); coding-DNA position 1621, T replaced by G.
Protein change: p.Tyr541Asp; replaces tyrosine 541 with aspartic acid.
Molecular consequence: missense variant.
Genome position (GRCh38, 1-based): chr8:100,220,364, T>G. VCF-style: chr8-100220364-T-G. GRCh37 (hg19) VCF-style: chr8-101232592-T-G.
Other names: c.1621T>G, p.Tyr541Asp (NM_001374321.1, NM_172218.3); short protein forms Y541D.
Identifiers: ClinVar variation 4825834 (VCV004825834.1).

ClinVar aggregate classification (germline): Uncertain significance (1 of 4 stars; one submission).

Conditions:
Primary ciliary dyskinesia. Also called: Ciliary dyskinesia. Identifiers: Orphanet 244, MedGen C0008780, MONDO:0016575, HP:0012265.

gnomAD v4.1: 7 of 1,613,902 alleles (0.00043%); highest among the groups gnomAD compares: Non-Finnish European, 0.00059%; no homozygotes.

Submission:

Ambry Genetics
Classification: Uncertain significance for Primary ciliary dyskinesia. Last evaluated: 2026-03-01. Review status: criteria provided, single submitter. Criteria: Ambry Variant Classification Scheme 2023. Collection method: clinical testing. Allele origin: germline.
Comment: The p.Y541D variant (also known as c.1621T>G), located in coding exon 12 of the SPAG1 gene, results from a T to G substitution at nucleotide position 1621. The tyrosine at codon 541 is replaced by aspartic acid, an amino acid with highly dissimilar properties. This amino acid position is conserved. In addition, the in silico prediction for this alteration is inconclusive. Based on the available evidence, the clinical significance of this variant remains unclear.